The following is an entry in ClinVar:

ClinVar aggregate classification (germline): Uncertain significance (1 of 4 stars; one submission).

Conditions:
Hereditary cancer-predisposing syndrome. Also called: Neoplastic Syndromes, Hereditary; Tumor predisposition; Hereditary Cancer Syndrome; Hereditary neoplastic syndrome. Identifiers: Orphanet 140162, MedGen C0027672, MeSH D009386, MONDO:0015356.

Submission:

Ambry Genetics
Classification: Uncertain significance for Hereditary cancer-predisposing syndrome. Last evaluated: 2024-11-20. Review status: criteria provided, single submitter. Criteria: Ambry Variant Classification Scheme 2023. Collection method: clinical testing. Allele origin: germline.
Comment: The p.S76I variant (also known as c.227G>T), located in coding exon 1 of the PHOX2B gene, results from a G to T substitution at nucleotide position 227. The serine at codon 76 is replaced by isoleucine, an amino acid with dissimilar properties. This amino acid position is conserved. In addition, the in silico prediction for this alteration is inconclusive. Based on the available evidence, the clinical significance of this variant remains unclear.

NM_003924.4(PHOX2B):c.227G>T (p.Ser76Ile)

Genes: PHOX2B (paired like homeobox 2B; minus strand), PHOX2B-AS1 (PHOX2B antisense RNA 1; plus strand). Cytogenetic location: 4p13.
Variant type: single nucleotide variant.
Coding change: c.227G>T on transcript NM_003924.4 (MANE Select); coding-DNA position 227, G replaced by T.
Protein change: p.Ser76Ile; replaces serine 76 with isoleucine.
Molecular consequence: missense variant. On other transcripts: non-coding transcript variant (1).
Genome position (GRCh38, 1-based): chr4:41,748,384, C>A on the plus strand (G>T on the coding strand, the complement: PHOX2B is on the minus strand). VCF-style: chr4-41748384-C-A. GRCh37 (hg19) VCF-style: chr4-41750401-C-A.
Other names: short protein forms S76I.
Identifiers: ClinVar variation 3417957 (VCV003417957.1).